The following is an entry in ClinVar:

ClinVar aggregate classification (germline): Uncertain significance (1 of 4 stars; one submission).

Submission:

Labcorp Genetics (formerly Invitae), Labcorp
Classification: Uncertain significance. Last evaluated: 2024-06-25. Review status: criteria provided, single submitter. Criteria: Invitae Variant Classification Sherloc (09022015). Collection method: clinical testing. Allele origin: germline.
Comment: This sequence change replaces glutamic acid, which is acidic and polar, with glutamine, which is neutral and polar, at codon 119 of the TBX20 protein (p.Glu119Gln). This variant is not present in population databases (gnomAD no frequency). This variant has not been reported in the literature in individuals affected with TBX20-related conditions. Advanced modeling of protein sequence and biophysical properties (such as structural, functional, and spatial information, amino acid conservation, physicochemical variation, residue mobility, and thermodynamic stability) performed at Invitae indicates that this missense variant is expected to disrupt TBX20 protein function with a positive predictive value of 80%. In summary, the available evidence is currently insufficient to determine the role of this variant in disease. Therefore, it has been classified as a Variant of Uncertain Significance.

NM_001077653.2(TBX20):c.355G>C (p.Glu119Gln)

Gene: TBX20 (T-box transcription factor 20; minus strand). Cytogenetic location: 7p14.2.
Variant type: single nucleotide variant.
Coding change: c.355G>C on transcript NM_001077653.2 (MANE Select); coding-DNA position 355, G replaced by C.
Protein change: p.Glu119Gln; replaces glutamic acid 119 with glutamine.
Molecular consequence: missense variant.
Genome position (GRCh38, 1-based): chr7:35,249,976, C>G on the plus strand (G>C on the coding strand, the complement: TBX20 is on the minus strand). VCF-style: chr7-35249976-C-G. GRCh37 (hg19) VCF-style: chr7-35289588-C-G.
Other names: c.355G>C, p.Glu119Gln (NM_001166220.1); short protein forms E119Q.
Identifiers: ClinVar variation 3657739 (VCV003657739.2).
Genomic context (GRCh38, chr7:35,249,976, plus strand): 5'-CCACCCCCAACCCCCAACCCCCAAGTCCCAACTACCTGCCCGACTTGGTGATGATCATCT[C>G]GGTGCCCAGCTCATGGAATTTGTCCCAAAGCTCCTTGGTCTCCAGGCTGCAGGCAATTTT-3'
Protein context (NP_001071121.1, residues 109-129): LWDKFHELGT[Glu119Gln]MIITKSGRRM